The following is an entry in ClinVar:

NM_022489.4(INF2):c.1377G>A (p.Pro459=)

Gene: INF2 (inverted formin 2; plus strand). Cytogenetic location: 14q32.33.
Variant type: single nucleotide variant.
Coding change: c.1377G>A on transcript NM_022489.4 (MANE Select); coding-DNA position 1377, G replaced by A.
Protein change: p.Pro459=; no amino-acid change (proline 459 retained).
Molecular consequence: synonymous variant.
Genome position (GRCh38, 1-based): chr14:104,707,644, G>A. VCF-style: chr14-104707644-G-A. GRCh37 (hg19) VCF-style: chr14-105173981-G-A.
Other names: c.1377G>A, p.Pro459= (NM_001031714.4).
Identifiers: ClinVar variation 1609932 (VCV001609932.33), dbSNP rs776870726, ClinGen allele CA488715991.

ClinVar aggregate classification (germline): Likely benign. Review status: criteria provided, multiple submitters, no conflicts (2 of 4 stars). 4 submissions from 4 submitters: Likely benign (4). Last evaluated 2026-01-28.

Conditions:
Focal segmental glomerulosclerosis 5 (FSGS5). Identifiers: Orphanet 656, MedGen C2750475, MONDO:0013191, OMIM 613237.
Charcot-Marie-Tooth disease dominant intermediate E. Also called: CHARCOT-MARIE-TOOTH NEUROPATHY WITH FOCAL SEGMENTAL GLOMERULONEPHRITIS. Identifiers: Orphanet 93114, MedGen C4302667, MONDO:0013758, OMIM 614455.

Allele frequency attached by ClinVar (database versions not stated): gnomAD exomes 0.00002; gnomAD 0.00007.

Submissions (4):

Labcorp Genetics (formerly Invitae), Labcorp
Classification: Likely benign for Charcot-Marie-Tooth disease dominant intermediate E; Focal segmental glomerulosclerosis 5. Last evaluated: 2026-01-28. Review status: criteria provided, single submitter. Criteria: Invitae Variant Classification Sherloc (09022015). Collection method: clinical testing. Allele origin: germline.

CeGaT Center for Human Genetics Tuebingen
Classification: Likely benign. Last evaluated: 2023-11-01. Review status: criteria provided, single submitter. Criteria: CeGaT Center For Human Genetics Tuebingen Variant Classification Criteria Version 2. Collection method: clinical testing. Allele origin: germline. Affected: yes. Observed: 1 variant allele.
Comment: INF2: BP4, BP7

Blueprint Genetics
Classification: Likely benign. Last evaluated: 2022-12-14. Review status: criteria provided, single submitter. Criteria: ACMG Guidelines, 2015. Collection method: clinical testing. Allele origin: germline.

Fulgent Genetics
Classification: Likely benign for Focal segmental glomerulosclerosis 5; Charcot-Marie-Tooth disease dominant intermediate E. Last evaluated: 2021-12-29. Review status: criteria provided, single submitter. Criteria: ACMG Guidelines, 2015. Collection method: clinical testing. Allele origin: unknown.